The following is an entry in ClinVar:

ClinVar aggregate classification (germline): Likely pathogenic (1 of 4 stars; one submission).

Conditions:
Duchenne muscular dystrophy (DMD). Also called: MUSCULAR DYSTROPHY, PSEUDOHYPERTROPHIC PROGRESSIVE, DUCHENNE TYPE; Duchenne Muscular Dystrophy (DMD). Identifiers: Orphanet 98896, MedGen C0013264, MONDO:0010679, OMIM 310200.

Submission:

Labcorp Genetics (formerly Invitae), Labcorp
Classification: Likely pathogenic for Duchenne muscular dystrophy. Last evaluated: 2021-12-21. Review status: criteria provided, single submitter. Criteria: Invitae Variant Classification Sherloc (09022015). Collection method: clinical testing. Allele origin: germline.
Comment: In summary, the currently available evidence indicates that the variant is pathogenic, but additional data are needed to prove that conclusively. Therefore, this variant has been classified as Likely Pathogenic. Algorithms developed to predict the effect of sequence changes on RNA splicing suggest that this variant may disrupt the consensus splice site. This variant has not been reported in the literature in individuals affected with DMD-related conditions. This variant is not present in population databases (gnomAD no frequency). This sequence change affects a donor splice site in intron 59 of the DMD gene. It is expected to disrupt RNA splicing. Variants that disrupt the donor or acceptor splice site typically lead to a loss of protein function (PMID: 16199547), and loss-of-function variants in DMD are known to be pathogenic (PMID: 16770791, 25007885).

Literature cited by the submitters: PubMed 16199547; PubMed 16770791; PubMed 25007885.

NM_004006.3(DMD):c.8937+1G>A

Gene: DMD (dystrophin; minus strand). Cytogenetic location: Xp21.2.
Variant type: single nucleotide variant.
Coding change: c.8937+1G>A on transcript NM_004006.3 (MANE Select); the canonical splice donor site of the intron after coding-DNA position 8937, G replaced by A.
Molecular consequence: splice donor variant.
Genome position (GRCh38, 1-based): chrX:31,478,105, C>T on the plus strand (G>A on the coding strand, the complement: DMD is on the minus strand). VCF-style: chrX-31478105-C-T. GRCh37 (hg19) VCF-style: chrX-31496222-C-T.
Other names: c.8913+1G>A (NM_000109.4); c.4914+1G>A (NM_004011.4); c.4905+1G>A (NM_004012.4); c.1557+1G>A (NM_004023.3, NM_004020.4, NM_004022.3 and 2 more transcripts); c.750+1G>A (NM_004014.3); c.8925+1G>A (NM_004009.3); c.8568+1G>A (NM_004010.3).
Identifiers: ClinVar variation 2051623 (VCV002051623.4), dbSNP rs1556656077, ClinGen allele CA412653831.